The following is an entry in ClinVar:

ClinVar aggregate classification (germline): Uncertain significance. Review status: criteria provided, multiple submitters, no conflicts (2 of 4 stars). 4 submissions from 4 submitters: Uncertain significance (4). Last evaluated 2024-07-18.

Conditions:
Developmental and epileptic encephalopathy, 18 (DEE18). Also called: Early infantile epileptic encephalopathy 18. Identifiers: Orphanet 369894, MedGen C3809624, MONDO:0014201, OMIM 615476.

Allele frequency attached by ClinVar (database versions not stated): ExAC 0.00003; gnomAD exomes 0.00003; TOPMed 0.00006; gnomAD 0.00007 and 0.00008.
gnomAD v4.1: 36 of 1,614,106 alleles (0.0022%); highest among the groups gnomAD compares: Middle Eastern, 0.033%; no homozygotes.

Submissions (4):

Blueprint Genetics
Classification: Uncertain significance. Last evaluated: 2024-07-18. Review status: criteria provided, single submitter. Criteria: ACMG Guidelines, 2015. Collection method: clinical testing. Allele origin: germline.

Genome-Nilou Lab
Classification: Uncertain significance for Developmental and epileptic encephalopathy, 18. Last evaluated: 2023-04-11. Review status: criteria provided, single submitter. Criteria: ACMG Guidelines, 2015. Collection method: clinical testing. Allele origin: germline. Affected: no.

Labcorp Genetics (formerly Invitae), Labcorp
Classification: Uncertain significance. Last evaluated: 2022-06-15. Review status: criteria provided, single submitter. Criteria: Invitae Variant Classification Sherloc (09022015). Collection method: clinical testing. Allele origin: germline.
Comment: This sequence change replaces histidine, which is basic and polar, with arginine, which is basic and polar, at codon 1671 of the SZT2 protein (p.His1671Arg). This variant is present in population databases (rs751797305, gnomAD 0.006%). This variant has not been reported in the literature in individuals affected with SZT2-related conditions. ClinVar contains an entry for this variant (Variation ID: 849525). Algorithms developed to predict the effect of missense changes on protein structure and function (SIFT, PolyPhen-2, Align-GVGD) all suggest that this variant is likely to be tolerated. In summary, the available evidence is currently insufficient to determine the role of this variant in disease. Therefore, it has been classified as a Variant of Uncertain Significance.

GeneDx
Classification: Uncertain significance. Last evaluated: 2019-10-01. Review status: criteria provided, single submitter. Criteria: GeneDx Variant Classification Process June 2021. Collection method: clinical testing. Allele origin: germline. Affected: yes.
Comment: Not observed at a significant frequency in large population cohorts (Lek et al., 2016); In silico analysis, which includes protein predictors and evolutionary conservation, supports that this variant does not alter protein structure/function; Has not been previously published as pathogenic or benign to our knowledge

NM_001365999.1(SZT2):c.5183A>G (p.His1728Arg)

Gene: SZT2 (SZT2 subunit of KICSTOR complex; plus strand). Cytogenetic location: 1p34.2.
Variant type: single nucleotide variant.
Coding change: c.5183A>G on transcript NM_001365999.1 (MANE Select); coding-DNA position 5183, A replaced by G.
Protein change: p.His1728Arg; replaces histidine 1728 with arginine.
Molecular consequence: missense variant.
Genome position (GRCh38, 1-based): chr1:43,431,810, A>G. VCF-style: chr1-43431810-A-G. GRCh37 (hg19) VCF-style: chr1-43897481-A-G.
Other names: c.5012A>G, p.His1671Arg (NM_015284.4); short protein forms H1671R, H1728R.
Identifiers: ClinVar variation 849525 (VCV000849525.10), dbSNP rs751797305, ClinGen allele CA809509.